The following is an entry in ClinVar:

ClinVar aggregate classification (germline): Uncertain significance (1 of 4 stars; one submission).

Conditions:
Hereditary cancer-predisposing syndrome. Also called: Neoplastic Syndromes, Hereditary; Tumor predisposition; Hereditary neoplastic syndrome; Hereditary Cancer Syndrome. Identifiers: Orphanet 140162, MedGen C0027672, MeSH D009386, MONDO:0015356.

Submission:

Ambry Genetics
Classification: Uncertain significance for Hereditary cancer-predisposing syndrome. Last evaluated: 2022-11-28. Review status: criteria provided, single submitter. Criteria: Ambry Variant Classification Scheme 2023. Collection method: clinical testing. Allele origin: germline.
Comment: The c.1645_1647delAAG variant (also known as p.K549del) is located in coding exon 9 of the BRCA2 gene. This variant results from an in-frame AAG deletion at nucleotide positions 1645 to 1647. This results in the in-frame deletion of a lysine at codon 549. This amino acid position is well conserved in available vertebrate species. In addition, the in silico prediction for this alteration is inconclusive (Choi Y et al. PLoS ONE. 2012; 7(10):e46688). Since supporting evidence is limited at this time, the clinical significance of this alteration remains unclear.

NM_000059.4(BRCA2):c.1645_1647del (p.Lys549del)

Gene: BRCA2 (BRCA2 DNA repair associated; plus strand). Cytogenetic location: 13q13.1.
Variant type: Deletion.
Coding change: c.1645_1647del on transcript NM_000059.4 (MANE Select); coding-DNA positions 1645 to 1647, 3 bases deleted (AAG; older notation c.1645_1647delAAG).
Protein change: p.Lys549del; deletes lysine 549.
Molecular consequence: inframe deletion. On other transcripts: non-coding transcript variant (1), intron variant (1).
Genome position (GRCh38, 1-based): chr13:32,333,123-32,333,125, AAG deleted; deleting any 3 consecutive bases within chr13:32,333,121-32,333,125 gives the same sequence; the c. name uses the placement nearest the transcript's 3' end. VCF-style (leftmost placement, unchanged base first): chr13-32333120-CAGA-C. GRCh37 (hg19) VCF-style: chr13-32907257-CAGA-C.
Other names: c.1645_1647del, p.Lys549del (NM_001406719.1, NM_001406720.1, NM_001406721.1); c.424+2093_424+2095del (NM_001406722.1); short protein forms K549del.
Identifiers: ClinVar variation 2451487 (VCV002451487.2), dbSNP rs1259605097, ClinGen allele CA609453772.